The following is an entry in ClinVar:

ClinVar aggregate classification (germline): Pathogenic (1 of 4 stars; one submission).

Conditions:
Achondrogenesis, type IB (ACG1B). Also called: Achondrogenesis Type 1B. Identifiers: Orphanet 932, Orphanet 93298, MedGen C0265274, MONDO:0010966, OMIM 600972.
Diastrophic dysplasia (DTD). Also called: Diastrophic dwarfism. Identifiers: Orphanet 628, MedGen C0220726, MONDO:0009107, OMIM 222600.
Multiple epiphyseal dysplasia type 4 (EDM4). Also called: Multiple Epiphyseal Dysplasia, Recessive; MULTIPLE EPIPHYSEAL DYSPLASIA WITH BILAYERED PATELLAE; MULTIPLE EPIPHYSEAL DYSPLASIA WITH CLUBFOOT; MULTIPLE EPIPHYSEAL DYSPLASIA, AUTOSOMAL RECESSIVE; SLC26A2-Related Multiple Epiphyseal Dysplasia. Identifiers: Orphanet 93307, MedGen C1847593, MONDO:0009189, OMIM 226900.
Atelosteogenesis type II (AO2). Also called: NEONATAL OSSEOUS DYSPLASIA I; SLC26A2-Related Atelosteogenesis; Neonatal osseous dysplasia 1. Identifiers: Orphanet 56304, MedGen C1850554, MONDO:0009727, OMIM 256050.

Submission:

Labcorp Genetics (formerly Invitae), Labcorp
Classification: Pathogenic for Atelosteogenesis type II; Multiple epiphyseal dysplasia type 4; Achondrogenesis, type IB; Diastrophic dysplasia. Last evaluated: 2022-03-13. Review status: criteria provided, single submitter. Criteria: Invitae Variant Classification Sherloc (09022015). Collection method: clinical testing. Allele origin: germline.
Comment: This sequence change creates a premature translational stop signal (p.Lys40*) in the SLC26A2 gene. It is expected to result in an absent or disrupted protein product. Loss-of-function variants in SLC26A2 are known to be pathogenic (PMID: 7923357, 10482955, 11241838). For these reasons, this variant has been classified as Pathogenic. This variant has not been reported in the literature in individuals affected with SLC26A2-related conditions. This variant is not present in population databases (gnomAD no frequency).

Literature cited by the submitters: PubMed 7923357; PubMed 10482955; PubMed 11241838.

NM_000112.4(SLC26A2):c.118A>T (p.Lys40Ter)

Gene: SLC26A2 (solute carrier family 26 member 2; plus strand). Cytogenetic location: 5q32.
Variant type: single nucleotide variant.
Coding change: c.118A>T on transcript NM_000112.4 (MANE Select); coding-DNA position 118, A replaced by T.
Protein change: p.Lys40Ter; replaces lysine 40 with a stop codon.
Molecular consequence: nonsense.
Genome position (GRCh38, 1-based): chr5:149,977,770, A>T. VCF-style: chr5-149977770-A-T. GRCh37 (hg19) VCF-style: chr5-149357333-A-T.
Other names: short protein forms K40*.
Identifiers: ClinVar variation 2110308 (VCV002110308.4), dbSNP rs2480770209, ClinGen allele CA361704038.